The following is an entry in ClinVar:

NM_015001.3(SPEN):c.1229C>T (p.Ala410Val)

Gene: SPEN (spen family transcriptional repressor; plus strand). Cytogenetic location: 1p36.13.
Variant type: single nucleotide variant.
Coding change: c.1229C>T on transcript NM_015001.3 (MANE Select); coding-DNA position 1229, C replaced by T.
Protein change: p.Ala410Val; replaces alanine 410 with valine.
Molecular consequence: missense variant.
Genome position (GRCh38, 1-based): chr1:15,911,287, C>T. VCF-style: chr1-15911287-C-T. GRCh37 (hg19) VCF-style: chr1-16237782-C-T.
Other names: short protein forms A410V.
Identifiers: ClinVar variation 3899732 (VCV003899732.1).
Genomic context (GRCh38, chr1:15,911,287, plus strand): 5'-AAAAAGCCTTGACTGCATCAAAAGGAAAACTTTTCTTTGGCATGCAGATTGAAGTAACAG[C>T]ATGGATAGGTCCAGGTAAGACACAAGCAAGCTGAGTTTGAGTTACTCATCACACACACTG-3'
Protein context (NP_055816.2, residues 400-420): LFFGMQIEVT[Ala410Val]WIGPETESEN

ClinVar aggregate classification (germline): Uncertain significance (1 of 4 stars; one submission).

Submission:

GeneDx
Classification: Uncertain significance. Last evaluated: 2024-11-13. Review status: criteria provided, single submitter. Criteria: GeneDx Variant Classification Process June 2021. Collection method: clinical testing. Allele origin: germline. Affected: yes.
Comment: Not observed at significant frequency in large population cohorts (gnomAD); In silico analysis indicates that this missense variant does not alter protein structure/function; Has not been previously published as pathogenic or benign to our knowledge